The following is an entry in ClinVar:

ClinVar aggregate classification (germline): Uncertain significance (1 of 4 stars; one submission).

Submission:

Ambry Genetics
Classification: Uncertain significance. Last evaluated: 2021-09-15. Review status: criteria provided, single submitter. Criteria: Ambry Variant Classification Scheme 2023. Collection method: clinical testing. Allele origin: germline.
Comment: The p.S419T variant (also known as c.1256G>C), located in coding exon 12 of the PRKDC gene, results from a G to C substitution at nucleotide position 1256. The serine at codon 419 is replaced by threonine, an amino acid with similar properties. This amino acid position is conserved. In addition, this alteration is predicted to be tolerated by in silico analysis. Since supporting evidence is limited at this time, the clinical significance of this alteration remains unclear.

NM_006904.7(PRKDC):c.1256G>C (p.Ser419Thr)

Gene: PRKDC (protein kinase, DNA-activated, catalytic subunit; minus strand). Cytogenetic location: 8q11.21.
Variant type: single nucleotide variant.
Coding change: c.1256G>C on transcript NM_006904.7 (MANE Select); coding-DNA position 1256, G replaced by C.
Protein change: p.Ser419Thr; replaces serine 419 with threonine.
Molecular consequence: missense variant.
Genome position (GRCh38, 1-based): chr8:47,936,375, C>G on the plus strand (G>C on the coding strand, the complement: PRKDC is on the minus strand). VCF-style: chr8-47936375-C-G. GRCh37 (hg19) VCF-style: chr8-48848935-C-G.
Other names: c.1256G>C, p.Ser419Thr (NM_001081640.2); short protein forms S419T.
Identifiers: ClinVar variation 1761953 (VCV001761953.2), dbSNP rs1178705138, ClinGen allele CA371166084.
Genomic context (GRCh38, chr8:47,936,375, plus strand): 5'-TTAAATACTTAAAATTGTGCTCAGTTTAGTTCACTTACTGTGTCAAGGTACAGCAAGACG[C>G]TTGCAACAGACTGGAGGAAGCTTGGCATCTGATAAACACGGTCGTCACCAGTGTCTGTCT-3'
Protein context (NP_008835.5, residues 409-429): QMPSFLQSVA[Ser419Thr]VLLYLDTVPE